The following is an entry in ClinVar:

ClinVar aggregate classification (germline): Uncertain significance. Review status: criteria provided, multiple submitters, no conflicts (2 of 4 stars). 2 submissions from 2 submitters: Uncertain significance (2). Last evaluated 2024-06-13.

Conditions:
Inborn genetic diseases. Identifiers: MedGen C0950123, MeSH D030342.

Allele frequency attached by ClinVar (database versions not stated): gnomAD exomes below 0.00001; TOPMed below 0.00001; ESP Exome Variant Server 0.00008.
gnomAD v4.1: 1 of 1,611,976 alleles (0.000062%); highest among the groups gnomAD compares: Non-Finnish European, 0.000085%; no homozygotes.

Submissions (2):

Labcorp Genetics (formerly Invitae), Labcorp
Classification: Uncertain significance. Last evaluated: 2024-06-13. Review status: criteria provided, single submitter. Criteria: Invitae Variant Classification Sherloc (09022015). Collection method: clinical testing. Allele origin: germline.
Comment: This sequence change replaces alanine, which is neutral and non-polar, with threonine, which is neutral and polar, at codon 861 of the OTOF protein (p.Ala861Thr). This variant is not present in population databases (gnomAD no frequency). This variant has not been reported in the literature in individuals affected with OTOF-related conditions. ClinVar contains an entry for this variant (Variation ID: 2616130). Advanced modeling of protein sequence and biophysical properties (such as structural, functional, and spatial information, amino acid conservation, physicochemical variation, residue mobility, and thermodynamic stability) has been performed at Invitae for this missense variant, however the output from this modeling did not meet the statistical confidence thresholds required to predict the impact of this variant on OTOF protein function. Algorithms developed to predict the effect of sequence changes on RNA splicing suggest that this variant may create or strengthen a splice site. In summary, the available evidence is currently insufficient to determine the role of this variant in disease. Therefore, it has been classified as a Variant of Uncertain Significance.

Ambry Genetics
Classification: Uncertain significance for Inborn genetic diseases. Last evaluated: 2023-08-04. Review status: criteria provided, single submitter. Criteria: Ambry Variant Classification Scheme 2023. Collection method: clinical testing. Allele origin: germline.

NM_194248.3(OTOF):c.2581G>A (p.Ala861Thr)

Gene: OTOF (otoferlin; minus strand). Cytogenetic location: 2p23.3.
Variant type: single nucleotide variant.
Coding change: c.2581G>A on transcript NM_194248.3 (MANE Select); coding-DNA position 2581, G replaced by A.
Protein change: p.Ala861Thr; replaces alanine 861 with threonine.
Molecular consequence: missense variant.
Genome position (GRCh38, 1-based): chr2:26,476,986, C>T on the plus strand (G>A on the coding strand, the complement: OTOF is on the minus strand). VCF-style: chr2-26476986-C-T. GRCh37 (hg19) VCF-style: chr2-26699854-C-T.
Other names: c.2581G>A, p.Ala861Thr (NM_001287489.2); c.340G>A, p.Ala114Thr (NM_004802.4, NM_194323.3); c.511G>A, p.Ala171Thr (NM_194322.3); short protein forms A861T, A114T, A171T.
Identifiers: ClinVar variation 2616130 (VCV002616130.4), dbSNP rs373770135, ClinGen allele CA44398206.
Genomic context (GRCh38, chr2:26,476,986, plus strand): 5'-TGCCAGTCTCCTCCTCCACGATGGAGAAGAGCAGGTCCTTGGAGGGCACACGGGCATAGG[C>T]GACACGCTTGTTGTTGCTCATCATCCAGATGAAGATGTCGGGAATGCTGTGCTGGGGCTG-3'
Protein context (NP_919224.1, residues 851-871): IWMMSNNKRV[Ala861Thr]YARVPSKDLL